The following is an entry in ClinVar:

ClinVar aggregate classification (germline): Uncertain significance. Review status: criteria provided, multiple submitters, no conflicts (2 of 4 stars). 2 submissions from 2 submitters: Uncertain significance (2). Last evaluated 2024-10-21.

Conditions:
Developmental and epileptic encephalopathy 94 (DEE94). Also called: CHD2-Related Neurodevelopmental Disorders; Epileptic encephalopathy, childhood-onset. Identifiers: Orphanet 1942, Orphanet 2382, MedGen C3809278, MONDO:0014150, OMIM 615369.

Submissions (2):

GeneDx
Classification: Uncertain significance. Last evaluated: 2024-10-21. Review status: criteria provided, single submitter. Criteria: GeneDx Variant Classification Process June 2021. Collection method: clinical testing. Allele origin: germline. Affected: yes.
Comment: Not observed at significant frequency in large population cohorts (gnomAD); In silico analysis supports that this missense variant has a deleterious effect on protein structure/function; Has not been previously published as pathogenic or benign to our knowledge; This variant is associated with the following publications: (PMID: 27535533)

Labcorp Genetics (formerly Invitae), Labcorp
Classification: Uncertain significance for Developmental and epileptic encephalopathy 94. Last evaluated: 2023-12-06. Review status: criteria provided, single submitter. Criteria: Invitae Variant Classification Sherloc (09022015). Collection method: clinical testing. Allele origin: germline.
Comment: This sequence change replaces phenylalanine, which is neutral and non-polar, with tyrosine, which is neutral and polar, at codon 1131 of the CHD2 protein (p.Phe1131Tyr). This variant is not present in population databases (gnomAD no frequency). This variant has not been reported in the literature in individuals affected with CHD2-related conditions. ClinVar contains an entry for this variant (Variation ID: 1312658). Advanced modeling of protein sequence and biophysical properties (such as structural, functional, and spatial information, amino acid conservation, physicochemical variation, residue mobility, and thermodynamic stability) performed at Invitae indicates that this missense variant is not expected to disrupt CHD2 protein function with a negative predictive value of 95%. In summary, the available evidence is currently insufficient to determine the role of this variant in disease. Therefore, it has been classified as a Variant of Uncertain Significance.

NM_001271.4(CHD2):c.3392T>A (p.Phe1131Tyr)

Gene: CHD2 (chromodomain helicase DNA binding protein 2; plus strand). Cytogenetic location: 15q26.1.
Variant type: single nucleotide variant.
Coding change: c.3392T>A on transcript NM_001271.4 (MANE Select); coding-DNA position 3392, T replaced by A.
Protein change: p.Phe1131Tyr; replaces phenylalanine 1131 with tyrosine.
Molecular consequence: missense variant.
Genome position (GRCh38, 1-based): chr15:92,985,652, T>A. VCF-style: chr15-92985652-T-A. GRCh37 (hg19) VCF-style: chr15-93528882-T-A.
Other names: short protein forms F1131Y.
Identifiers: ClinVar variation 1312658 (VCV001312658.6), dbSNP rs2141852043, ClinGen allele CA393895819.
Genomic context (GRCh38, chr15:92,985,652, plus strand): 5'-ACAAGAAGCCAAAGCGCAGAGGGCGTCCGAGGAGTGTGCGGAAGGACCTCGTGGAGGGAT[T>A]TACTGATGCAGAGATCCGAAGGTTGGTGGAGGCTCTGTTCTCACTGAGCTTGTTTGAAAG-3'
Protein context (NP_001262.3, residues 1121-1141): RSVRKDLVEG[Phe1131Tyr]TDAEIRRFIK